The following is an entry in ClinVar:

NM_001369.3(DNAH5):c.12460C>T (p.Pro4154Ser)

Gene: DNAH5 (dynein axonemal heavy chain 5; minus strand). Cytogenetic location: 5p15.2.
Variant type: single nucleotide variant.
Coding change: c.12460C>T on transcript NM_001369.3 (MANE Select); coding-DNA position 12460, C replaced by T.
Protein change: p.Pro4154Ser; replaces proline 4154 with serine.
Molecular consequence: missense variant.
Genome position (GRCh38, 1-based): chr5:13,718,921, G>A on the plus strand (C>T on the coding strand, the complement: DNAH5 is on the minus strand). VCF-style: chr5-13718921-G-A. GRCh37 (hg19) VCF-style: chr5-13719030-G-A.
Other names: short protein forms P4154S.
Identifiers: ClinVar variation 3658319 (VCV003658319.2).

ClinVar aggregate classification (germline): Uncertain significance (1 of 4 stars; one submission).

Conditions:
Primary ciliary dyskinesia. Also called: Ciliary dyskinesia. Identifiers: Orphanet 244, MedGen C0008780, MONDO:0016575, HP:0012265.

gnomAD v4.1: 15 of 1,614,026 alleles (0.00093%); highest among the groups gnomAD compares: Non-Finnish European, 0.0011%; no homozygotes.

Submission:

Labcorp Genetics (formerly Invitae), Labcorp
Classification: Uncertain significance for Primary ciliary dyskinesia. Last evaluated: 2024-12-12. Review status: criteria provided, single submitter. Criteria: Invitae Variant Classification Sherloc (09022015). Collection method: clinical testing. Allele origin: germline.
Comment: This sequence change replaces proline, which is neutral and non-polar, with serine, which is neutral and polar, at codon 4154 of the DNAH5 protein (p.Pro4154Ser). This variant is not present in population databases (gnomAD no frequency). This variant has not been reported in the literature in individuals affected with DNAH5-related conditions. Invitae Evidence Modeling of protein sequence and biophysical properties (such as structural, functional, and spatial information, amino acid conservation, physicochemical variation, residue mobility, and thermodynamic stability) indicates that this missense variant is not expected to disrupt DNAH5 protein function with a negative predictive value of 95%. In summary, the available evidence is currently insufficient to determine the role of this variant in disease. Therefore, it has been classified as a Variant of Uncertain Significance.